The following is an entry in ClinVar:

ClinVar aggregate classification (germline): Pathogenic (1 of 4 stars; one submission).

Conditions:
Intellectual disability. Also called: intellectual disabilities; Intellectual functioning disability; Intellectual developmental disorder. Identifiers: MedGen C3714756, MeSH D008607, MONDO:0001071, HP:0001249.

Submission:

Genetics Laboratory, UDIAT-Centre Diagnòstic, Hospital Universitari Parc Tauli
Classification: Pathogenic for Intellectual disability. Last evaluated: 2022-10-04. Review status: criteria provided, single submitter. Criteria: Parc Tauli Hospital Assertion Criteria 2021. Collection method: clinical testing. Allele origin: de novo. Inheritance: Autosomal dominant inheritance. Affected: yes.
Comment: PVS1;PM2_supporting;PM6

NM_020719.3(PRR12):c.931C>T (p.Gln311Ter)

Gene: PRR12 (proline rich 12; plus strand). Cytogenetic location: 19q13.33.
Variant type: single nucleotide variant.
Coding change: c.931C>T on transcript NM_020719.3 (MANE Select); coding-DNA position 931, C replaced by T.
Protein change: p.Gln311Ter; replaces glutamine 311 with a stop codon.
Molecular consequence: nonsense.
Genome position (GRCh38, 1-based): chr19:49,595,266, C>T. VCF-style: chr19-49595266-C-T. GRCh37 (hg19) VCF-style: chr19-50098523-C-T.
Other names: short protein forms Q311*.
Identifiers: ClinVar variation 1708253 (VCV001708253.2), dbSNP rs2514270277, ClinGen allele CA406858926.
Genomic context (GRCh38, chr19:49,595,266, plus strand): 5'-CACTACCAGCGGCCAGCCAGTGCCCAGCCCCCACCACCCCCGCCACCAGCCCATGCGCTC[C>T]AGCACTATCTGAGCTGTGGAGGCAGCTACCCCTCCATGGGCCACCGGGCCAACCTGGCCT-3'